The following is an entry in ClinVar:

ClinVar aggregate classification (germline): Pathogenic (1 of 4 stars; one submission).

Conditions:
Juvenile polyposis syndrome (JPS). Identifiers: Orphanet 2929, MedGen C0345893, MONDO:0017380, OMIM 174900.

Submission:

Labcorp Genetics (formerly Invitae), Labcorp
Classification: Pathogenic for Juvenile polyposis syndrome. Last evaluated: 2018-09-04. Review status: criteria provided, single submitter. Criteria: Invitae Variant Classification Sherloc (09022015). Collection method: clinical testing. Allele origin: germline.
Comment: This sequence change creates a premature translational stop signal (p.Tyr133*) in the SMAD4 gene. It is expected to result in an absent or disrupted protein product. This variant is not present in population databases (ExAC no frequency). This variant has not been reported in the literature in individuals with SMAD4-related disease. Loss-of-function variants in SMAD4 are known to be pathogenic (PMID: 16152648, 16436638, 22810475). For these reasons, this variant has been classified as Pathogenic.

Literature cited by the submitters: PubMed 16152648; PubMed 16436638; PubMed 22810475.

NM_005359.6(SMAD4):c.399C>A (p.Tyr133Ter)

Gene: SMAD4 (SMAD family member 4; plus strand). Cytogenetic location: 18q21.2.
Variant type: single nucleotide variant.
Coding change: c.399C>A on transcript NM_005359.6 (MANE Select); coding-DNA position 399, C replaced by A.
Protein change: p.Tyr133Ter; replaces tyrosine 133 with a stop codon.
Molecular consequence: nonsense.
Genome position (GRCh38, 1-based): chr18:51,048,835, C>A. VCF-style: chr18-51048835-C-A. GRCh37 (hg19) VCF-style: chr18-48575205-C-A.
Other names: short protein forms Y133*.
Identifiers: ClinVar variation 658046 (VCV000658046.8), dbSNP rs779069779, ClinGen allele CA402458763.